The following is an entry in ClinVar:

ClinVar aggregate classification (germline): Likely pathogenic (1 of 4 stars; one submission).

gnomAD v4.1: 1 of 1,614,082 alleles (0.000062%); highest among the groups gnomAD compares: Non-Finnish European, 0.000085%; no homozygotes.

Submission:

GeneDx
Classification: Likely pathogenic. Last evaluated: 2024-03-20. Review status: criteria provided, single submitter. Criteria: GeneDx Variant Classification Process June 2021. Collection method: clinical testing. Allele origin: germline. Affected: yes.
Comment: Not observed at significant frequency in large population cohorts (gnomAD); In silico analysis supports that this missense variant has a deleterious effect on protein structure/function; Has not been previously published as pathogenic or benign to our knowledge

NM_014991.6(WDFY3):c.8864T>C (p.Ile2955Thr)

Gene: WDFY3 (WD repeat and FYVE domain containing 3; minus strand). Cytogenetic location: 4q21.23.
Variant type: single nucleotide variant.
Coding change: c.8864T>C on transcript NM_014991.6 (MANE Select); coding-DNA position 8864, T replaced by C.
Protein change: p.Ile2955Thr; replaces isoleucine 2955 with threonine.
Molecular consequence: missense variant.
Genome position (GRCh38, 1-based): chr4:84,696,007, A>G on the plus strand (T>C on the coding strand, the complement: WDFY3 is on the minus strand). VCF-style: chr4-84696007-A-G. GRCh37 (hg19) VCF-style: chr4-85617160-A-G.
Other names: short protein forms I2955T.
Identifiers: ClinVar variation 3371107 (VCV003371107.1).